The following is an entry in ClinVar:

NM_004204.5(PIGQ):c.422T>C (p.Leu141Pro)

Gene: PIGQ (phosphatidylinositol glycan anchor biosynthesis class Q; plus strand). Cytogenetic location: 16p13.3.
Variant type: single nucleotide variant.
Coding change: c.422T>C on transcript NM_004204.5 (MANE Select); coding-DNA position 422, T replaced by C.
Protein change: p.Leu141Pro; replaces leucine 141 with proline.
Molecular consequence: missense variant.
Genome position (GRCh38, 1-based): chr16:574,496, T>C. VCF-style: chr16-574496-T-C. GRCh37 (hg19) VCF-style: chr16-624496-T-C.
Other names: c.422T>C (NM_148920.1); c.422T>C, p.Leu141Pro (NM_148920.4); short protein forms L141P.
Identifiers: ClinVar variation 652896 (VCV000652896.6), dbSNP rs751953516, ClinGen allele CA7779863.

ClinVar aggregate classification (germline): Uncertain significance. Review status: criteria provided, multiple submitters, no conflicts (2 of 4 stars). 3 submissions from 3 submitters: Uncertain significance (3). Last evaluated 2025-12-16.

Conditions:
Inborn genetic diseases. Identifiers: MedGen C0950123, MeSH D030342.
Epilepsy. Also called: Seizure disorder. Identifiers: MedGen C0014544, MeSH D004827, MONDO:0005027.

Allele frequency attached by ClinVar (database versions not stated): gnomAD 0.00001 and 0.00003; TOPMed 0.00001; gnomAD exomes 0.00004 and 0.00010; ExAC 0.00015.
gnomAD v4.1: 67 of 1,609,086 alleles (0.0042%); highest among the groups gnomAD compares: South Asian, 0.055%; no homozygotes.

Submissions (3):

Labcorp Genetics (formerly Invitae), Labcorp
Classification: Uncertain significance for Epilepsy. Last evaluated: 2025-12-16. Review status: criteria provided, single submitter. Criteria: Invitae Variant Classification Sherloc (09022015). Collection method: clinical testing. Allele origin: germline.
Comment: This sequence change replaces leucine, which is neutral and non-polar, with proline, which is neutral and non-polar, at codon 141 of the PIGQ protein (p.Leu141Pro). This variant is present in population databases (rs751953516, gnomAD 0.06%). This variant has not been reported in the literature in individuals affected with PIGQ-related conditions. ClinVar contains an entry for this variant (Variation ID: 652896). An algorithm developed to predict the effect of missense changes on protein structure and function (PolyPhen-2) suggests that this variant is likely to be disruptive. In summary, the available evidence is currently insufficient to determine the role of this variant in disease. Therefore, it has been classified as a Variant of Uncertain Significance.

Blueprint Genetics
Classification: Uncertain significance. Last evaluated: 2024-10-24. Review status: criteria provided, single submitter. Criteria: ACMG Guidelines, 2015. Collection method: clinical testing. Allele origin: germline.

Ambry Genetics
Classification: Uncertain significance for Inborn genetic diseases. Last evaluated: 2022-10-06. Review status: criteria provided, single submitter. Criteria: Ambry Variant Classification Scheme 2023. Collection method: clinical testing. Allele origin: germline.